The following is an entry in ClinVar:

NM_001389.5(DSCAM):c.5014A>T (p.Arg1672Ter)

Gene: DSCAM (DS cell adhesion molecule; minus strand). Cytogenetic location: 21q22.2.
Variant type: single nucleotide variant.
Coding change: c.5014A>T on transcript NM_001389.5 (MANE Select); coding-DNA position 5014, A replaced by T.
Protein change: p.Arg1672Ter; replaces arginine 1672 with a stop codon.
Molecular consequence: nonsense. On other transcripts: non-coding transcript variant (1).
Genome position (GRCh38, 1-based): chr21:40,055,746, T>A on the plus strand (A>T on the coding strand, the complement: DSCAM is on the minus strand). VCF-style: chr21-40055746-T-A. GRCh37 (hg19) VCF-style: chr21-41427673-T-A.
Other names: c.5014A>T, p.Arg1672Ter (NM_001271534.3); short protein forms R1672*.
Identifiers: ClinVar variation 4876685 (VCV004876685.1).

ClinVar aggregate classification (germline): Pathogenic (1 of 4 stars; one submission).

Conditions:
Autism spectrum disorder. Also called: Autism spectrum disorders. Identifiers: MedGen C1510586, MeSH D000067877, MONDO:0005258.

Submission:

Genetics Laboratory, Post Graduate Institute of Child Health
Classification: Pathogenic for Autism spectrum disorder. Last evaluated: 2026-06-12. Review status: criteria provided, single submitter. Criteria: ACMG Guidelines, 2015. Collection method: clinical testing. Allele origin: de novo. Inheritance: Autosomal dominant inheritance. Affected: yes. Observed: 1 variant allele, 1 heterozygote.
Comment: The identified variant, c.5014A>T, is a nonsense variant and is identified in a gene where loss of function is a known mechanism of disease causation (PVS1). The variant is absent in population databases like gnomAD (PM2). Upon parental segregation, the variant was absent in both mother and father indicating the variant is de novo (PM6). Three de novo loss-of-function (LoF) variants in the DSCAM gene were identified in ASD probands from the Simons Simplex Collection in Iossifov et al., 2014 (PMID 25363768), while a fourth de novo LoF variant in this gene was identified in one ASD proband from 2,270 trios screened by the Autism Sequencing Consortium in De Rubeis et al., 2014 (PMID 25363760). Two additional de novo LoF variants were identified in Chinese ASD probands from the Autism Clinical and Genetic Resources in China (ACGC) cohort in Wang et al., 2016 (PMID 27824329)

Literature cited by the submitters: PubMed 27824329; PubMed 25363760; PubMed 25363768.